The following is an entry in ClinVar:

NM_178857.6(RP1L1):c.661G>A (p.Gly221Arg)

Gene: RP1L1 (RP1 like 1). Cytogenetic location: 8p23.1.
Variant type: single nucleotide variant.
Coding change: c.661G>A on transcript NM_178857.6 (MANE Select); coding-DNA position 661, G replaced by A.
Protein change: p.Gly221Arg; replaces glycine 221 with arginine.
Molecular consequence: missense variant.
Genome position (GRCh38, 1-based): chr8:10,616,536, C>T on the plus strand (G>A on the coding strand, the complement: RP1L1 is on the minus strand). VCF-style: chr8-10616536-C-T. GRCh37 (hg19) VCF-style: chr8-10474046-C-T.
Other names: short protein forms G221R.
Identifiers: ClinVar variation 2136638 (VCV002136638.7), dbSNP rs767095509, ClinGen allele CA4625519.

ClinVar aggregate classification (germline): Uncertain significance. Review status: criteria provided, multiple submitters, no conflicts (2 of 4 stars). 3 submissions from 3 submitters: Uncertain significance (3). Last evaluated 2023-10-01.

Conditions:
Retinal dystrophy. Also called: Inherited retinal dystrophy. Identifiers: Orphanet 71862, MedGen C0854723, MeSH D058499, MONDO:0019118, HP:0000556.

Allele frequency attached by ClinVar (database versions not stated): TOPMed 0.00002.
gnomAD v4.1: 17 of 1,613,922 alleles (0.0011%); highest among the groups gnomAD compares: Admixed American, 0.005%; no homozygotes.

Submissions (3):

Dept Of Ophthalmology, Nagoya University
Classification: Uncertain significance for Retinal dystrophy. Last evaluated: 2023-10-01. Review status: criteria provided, single submitter. Criteria: Submitter's publication. Collection method: research. Allele origin: germline. Affected: yes.

Labcorp Genetics (formerly Invitae), Labcorp
Classification: Uncertain significance. Last evaluated: 2022-06-14. Review status: criteria provided, single submitter. Criteria: Invitae Variant Classification Sherloc (09022015). Collection method: clinical testing. Allele origin: germline.
Comment: In summary, the available evidence is currently insufficient to determine the role of this variant in disease. Therefore, it has been classified as a Variant of Uncertain Significance. Algorithms developed to predict the effect of sequence changes on RNA splicing suggest that this variant may create or strengthen a splice site. Advanced modeling of protein sequence and biophysical properties (such as structural, functional, and spatial information, amino acid conservation, physicochemical variation, residue mobility, and thermodynamic stability) performed at Invitae indicates that this missense variant is expected to disrupt RP1L1 protein function. This missense change has been observed in individual(s) with autosomal dominant occult macular dystrophy (PMID: 27623337). The frequency data for this variant in the population databases is considered unreliable, as metrics indicate poor data quality at this position in the gnomAD database. This sequence change replaces glycine, which is neutral and non-polar, with arginine, which is basic and polar, at codon 221 of the RP1L1 protein (p.Gly221Arg).

Institute of Human Genetics, Univ. Regensburg, Univ. Regensburg
Classification: Uncertain significance for Retinal dystrophy. Last evaluated: 2021-01-01. Review status: criteria provided, single submitter. Criteria: ACMG Guidelines, 2015. Collection method: clinical testing. Allele origin: germline. Affected: yes.

Literature cited by the submitters: PubMed 27623337 (cited by Labcorp Genetics (formerly Invitae), Labcorp and Institute of Human Genetics, Univ. Regensburg, Univ. Regensburg).